The following is an entry in ClinVar:

ClinVar aggregate classification (germline): Uncertain significance. Review status: criteria provided, multiple submitters, no conflicts (2 of 4 stars). 9 submissions from 6 submitters: Uncertain significance (9). Last evaluated 2024-12-31.

Conditions:
Stuve-Wiedemann syndrome (STWS). Also called: Stüve-Wiedemann syndrome. Identifiers: Orphanet 3206, MedGen C0796176, MONDO:0031280.
Reduced muscle fiber perlecan. Identifiers: MedGen C4022623, HP:0030122.
Schwartz-Jampel syndrome. Also called: Myotonic myopathy dwarfism chondrodystrophy and ocular and facial abnormalities. Identifiers: Orphanet 800, MedGen C0036391, MONDO:0009717.
Lethal Kniest-like syndrome (DDSH). Also called: Dyssegmental Dysplasia. Identifiers: Orphanet 1865, MedGen C1857100, MONDO:0009140, OMIM 224410.

Allele frequency attached by ClinVar (database versions not stated): TOPMed 0.00007; ExAC 0.00008; gnomAD 0.00010 and 0.00012; gnomAD exomes 0.00012; ESP Exome Variant Server 0.00015; 1000 Genomes Project 0.00020; 1000 Genomes Project 30x 0.00031.
gnomAD v4.1: 145 of 1,614,050 alleles (0.009%); highest among the groups gnomAD compares: Middle Eastern, 0.049%; 1 homozygote.

Submissions (9):

Athena Diagnostics
Classification: Uncertain significance. Last evaluated: 2024-12-31. Review status: criteria provided, single submitter. Criteria: Athena Diagnostics Criteria. Collection method: clinical testing. Allele origin: unknown.
Comment: Available data are insufficient to determine the clinical significance of the variant at this time. The frequency of this variant in the general population is uninformative in assessment of its pathogenicity. Polyphen and MutationTaster yielded discordant predictions regarding whether this amino acid change is damaging to the protein.

Labcorp Genetics (formerly Invitae), Labcorp
Classification: Uncertain significance. Last evaluated: 2023-11-27. Review status: criteria provided, single submitter. Criteria: Invitae Variant Classification Sherloc (09022015). Collection method: clinical testing. Allele origin: germline.
Comment: This sequence change replaces phenylalanine, which is neutral and non-polar, with serine, which is neutral and polar, at codon 3673 of the HSPG2 protein (p.Phe3673Ser). This variant is present in population databases (rs147707402, gnomAD 0.03%). This variant has not been reported in the literature in individuals affected with HSPG2-related conditions. ClinVar contains an entry for this variant (Variation ID: 587472). An algorithm developed to predict the effect of missense changes on protein structure and function (PolyPhen-2) suggests that this variant is likely to be disruptive. In summary, the available evidence is currently insufficient to determine the role of this variant in disease. Therefore, it has been classified as a Variant of Uncertain Significance.

CeGaT Center for Human Genetics Tuebingen
Classification: Uncertain significance. Last evaluated: 2023-03-01. Review status: criteria provided, single submitter. Criteria: CeGaT Center For Human Genetics Tuebingen Variant Classification Criteria Version 2. Collection method: clinical testing. Allele origin: germline. Affected: yes. Observed: 1 variant allele.
Comment: HSPG2: PM2

Revvity Omics, Revvity
Classification: Uncertain significance. Last evaluated: 2019-05-02. Review status: criteria provided, single submitter. Criteria: ACMG Guidelines, 2015. Collection method: clinical testing. Allele origin: germline.

Genomic Research Center, Shahid Beheshti University of Medical Sciences
Classification: Uncertain significance for Schwartz Jampel syndrome type 1. Last evaluated: 2018-08-07. Review status: criteria provided, single submitter. Criteria: ACMG Guidelines, 2015. Collection method: clinical testing. Allele origin: inherited. Affected: no. Observed: 1 variant allele.

Genomic Research Center, Shahid Beheshti University of Medical Sciences
Classification: Uncertain significance for Stuve-Wiedemann syndrome. Last evaluated: 2018-08-07. Review status: criteria provided, single submitter. Criteria: ACMG Guidelines, 2015. Collection method: clinical testing. Allele origin: inherited. Affected: no. Observed: 1 variant allele.

Genomic Research Center, Shahid Beheshti University of Medical Sciences
Classification: Uncertain significance for Reduced muscle fiber perlecan. Last evaluated: 2018-08-07. Review status: criteria provided, single submitter. Criteria: ACMG Guidelines, 2015. Collection method: clinical testing. Allele origin: inherited. Affected: no. Observed: 1 variant allele.

Illumina Laboratory Services, Illumina
Classification: Uncertain significance for Schwartz-Jampel syndrome type 1. Last evaluated: 2018-01-12. Review status: criteria provided, single submitter. Criteria: ICSL Variant Classification Criteria 13 December 2019. Collection method: clinical testing. Allele origin: germline.

Illumina Laboratory Services, Illumina
Classification: Uncertain significance for Lethal Kniest-like syndrome. Last evaluated: 2018-01-12. Review status: criteria provided, single submitter. Criteria: ICSL Variant Classification Criteria 13 December 2019. Collection method: clinical testing. Allele origin: germline.

NM_005529.7(HSPG2):c.11018T>C (p.Phe3673Ser)

Gene: HSPG2 (heparan sulfate proteoglycan 2; minus strand). Cytogenetic location: 1p36.12.
Variant type: single nucleotide variant.
Coding change: c.11018T>C on transcript NM_005529.7 (MANE Select); coding-DNA position 11018, T replaced by C.
Protein change: p.Phe3673Ser; replaces phenylalanine 3673 with serine.
Molecular consequence: missense variant.
Genome position (GRCh38, 1-based): chr1:21,833,345, A>G on the plus strand (T>C on the coding strand, the complement: HSPG2 is on the minus strand). VCF-style: chr1-21833345-A-G. GRCh37 (hg19) VCF-style: chr1-22159838-A-G.
Other names: c.11021T>C, p.Phe3674Ser (NM_001291860.2); short protein forms F3673S, F3674S.
Identifiers: ClinVar variation 587472 (VCV000587472.36), dbSNP rs147707402, ClinGen allele CA669949.